The following is an entry in ClinVar:

ClinVar aggregate classification (germline): Uncertain significance (1 of 4 stars; one submission).

Conditions:
Hereditary cancer-predisposing syndrome. Also called: Tumor predisposition; Hereditary neoplastic syndrome; Neoplastic Syndromes, Hereditary; Hereditary Cancer Syndrome. Identifiers: Orphanet 140162, MedGen C0027672, MeSH D009386, MONDO:0015356.

gnomAD v4.1: 1 of 1,613,948 alleles (0.000062%); highest among the groups gnomAD compares: African/African-American, 0.0013%; no homozygotes.

Submission:

Ambry Genetics
Classification: Uncertain significance for Hereditary cancer-predisposing syndrome. Last evaluated: 2025-05-09. Review status: criteria provided, single submitter. Criteria: Ambry Variant Classification Scheme 2023. Collection method: clinical testing. Allele origin: germline.
Comment: The p.R958L variant (also known as c.2873G>T), located in coding exon 24 of the EGFR gene, results from a G to T substitution at nucleotide position 2873. The arginine at codon 958 is replaced by leucine, an amino acid with dissimilar properties. This amino acid position is conserved. In addition, this alteration is predicted to be deleterious by in silico analysis. Based on the available evidence, the clinical significance of this variant remains unclear.

NM_005228.5(EGFR):c.2873G>T (p.Arg958Leu)

Gene: EGFR (epidermal growth factor receptor; plus strand). Cytogenetic location: 7p11.2.
Variant type: single nucleotide variant.
Coding change: c.2873G>T on transcript NM_005228.5 (MANE Select); coding-DNA position 2873, G replaced by T.
Protein change: p.Arg958Leu; replaces arginine 958 with leucine.
Molecular consequence: missense variant.
Genome position (GRCh38, 1-based): chr7:55,200,340, G>T. VCF-style: chr7-55200340-G-T. GRCh37 (hg19) VCF-style: chr7-55268033-G-T.
Other names: c.2738G>T, p.Arg913Leu (NM_001346897.2, NM_001346899.2); c.2873G>T, p.Arg958Leu (NM_001346898.2); c.2714G>T, p.Arg905Leu (NM_001346900.2); c.2072G>T, p.Arg691Leu (NM_001346941.2); short protein forms R691L, R958L, R905L, R913L.
Identifiers: ClinVar variation 4016769 (VCV004016769.1).